The following is an entry in ClinVar:

ClinVar aggregate classification (germline): Benign (0 of 4 stars; one submission).

Conditions:
NQO1-related disorder. Also called: NQO1-related condition.

Allele frequency attached by ClinVar (database versions not stated): 1000 Genomes Project 0.04054; 1000 Genomes Project 30x 0.04216; ExAC 0.05938; gnomAD 0.06212; TOPMed 0.06264; ESP Exome Variant Server 0.06902; gnomAD exomes 0.07112.
gnomAD v4.1: 113,287 of 1,614,098 alleles (7%); highest among the groups gnomAD compares: Middle Eastern, 9.8%; 4,413 homozygotes.

Submission:

PreventionGenetics, part of Exact Sciences
Classification: Benign for NQO1-related condition. Last evaluated: 2019-10-21. Review status: no assertion criteria provided. Collection method: clinical testing. Allele origin: germline.
Comment: This variant is classified as benign based on ACMG/AMP sequence variant interpretation guidelines (Richards et al. 2015 PMID: 25741868, with internal and published modifications).

NM_000903.3(NQO1):c.72G>A (p.Glu24=)

Gene: NQO1 (NAD(P)H quinone dehydrogenase 1; minus strand). Cytogenetic location: 16q22.1.
Variant type: single nucleotide variant.
Coding change: c.72G>A on transcript NM_000903.3 (MANE Select); coding-DNA position 72, G replaced by A.
Protein change: p.Glu24=; no amino-acid change (glutamic acid 24 retained).
Molecular consequence: synonymous variant.
Genome position (GRCh38, 1-based): chr16:69,718,470, C>T on the plus strand (G>A on the coding strand, the complement: NQO1 is on the minus strand). VCF-style: chr16-69718470-C-T. GRCh37 (hg19) VCF-style: chr16-69752373-C-T.
Other names: c.72G>A, p.Glu24= (NM_001025433.2, NM_001025434.2, NM_001286137.2).
Identifiers: ClinVar variation 3055562 (VCV003055562.2), dbSNP rs689453, ClinGen allele CA8136325.
Genomic context (GRCh38, chr16:69,718,470, plus strand): 5'-GGCATAGAGGTCCGACTCCACCACCTCCCATCCTTTCTTCTTCAAAGCCGCTGCAGCAGC[C>T]TCCTTCATGGCATAGTTGAAGGACGTCCTCTCTGAGTGAGCCAGTACGATCAGTGCTCTT-3'
Protein context (NP_000894.1, residues 14-34): ERTSFNYAMK[Glu24=]AAAAALKKKG